The following is an entry in ClinVar:

ClinVar aggregate classification (germline): Uncertain significance (1 of 4 stars; one submission).

Conditions:
Arrhythmogenic right ventricular dysplasia 8 (ARVD8). Also called: Arrhythmogenic Right Ventricular Dysplasia/Cardiomyopathy 8; ARRHYTHMOGENIC RIGHT VENTRICULAR CARDIOMYOPATHY 8; ARRHYTHMOGENIC RIGHT VENTRICULAR DYSPLASIA, FAMILIAL, 8. Identifiers: MedGen C1843896, MONDO:0011831, OMIM 607450.
Arrhythmogenic cardiomyopathy with wooly hair and keratoderma. Also called: Carvajal syndrome; PALMOPLANTAR KERATODERMA WITH LEFT VENTRICULAR CARDIOMYOPATHY AND WOOLLY HAIR; Arrhythmogenic cardiomyopathy with woolly hair and keratoderma; Dilated cardiomyopathy with woolly hair and keratoderma. Identifiers: Orphanet 65282, MedGen C1854063, MONDO:0011581, OMIM 605676.

Submission:

Labcorp Genetics (formerly Invitae), Labcorp
Classification: Uncertain significance for Arrhythmogenic cardiomyopathy with wooly hair and keratoderma; Arrhythmogenic right ventricular dysplasia 8. Last evaluated: 2022-04-28. Review status: criteria provided, single submitter. Criteria: Invitae Variant Classification Sherloc (09022015). Collection method: clinical testing. Allele origin: germline.
Comment: In summary, the available evidence is currently insufficient to determine the role of this variant in disease. Therefore, it has been classified as a Variant of Uncertain Significance. Algorithms developed to predict the effect of missense changes on protein structure and function (SIFT, PolyPhen-2, Align-GVGD) all suggest that this variant is likely to be tolerated. ClinVar contains an entry for this variant (Variation ID: 1046055). This variant has not been reported in the literature in individuals affected with DSP-related conditions. This variant is not present in population databases (gnomAD no frequency). This sequence change replaces arginine, which is basic and polar, with serine, which is neutral and polar, at codon 1411 of the DSP protein (p.Arg1411Ser).

NM_004415.4(DSP):c.4233G>T (p.Arg1411Ser)

Gene: DSP (desmoplakin; plus strand). Cytogenetic location: 6p24.3.
Variant type: single nucleotide variant.
Coding change: c.4233G>T on transcript NM_004415.4 (MANE Select); coding-DNA position 4233, G replaced by T.
Protein change: p.Arg1411Ser; replaces arginine 1411 with serine.
Molecular consequence: missense variant. On other transcripts: intron variant (2).
Genome position (GRCh38, 1-based): chr6:7,580,423, G>T. VCF-style: chr6-7580423-G-T. GRCh37 (hg19) VCF-style: chr6-7580656-G-T.
Other names: c.4050+183G>T (NM_001319034.2); c.3582+651G>T (NM_001008844.3); short protein forms R1411S.
Identifiers: ClinVar variation 1046055 (VCV001046055.13), dbSNP rs771721410, ClinGen allele CA362685851.